The following is an entry in ClinVar:

ClinVar aggregate classification (germline): Uncertain significance. Review status: criteria provided, multiple submitters, no conflicts (2 of 4 stars). 4 submissions from 4 submitters: Uncertain significance (3). 1 of the submissions does not count toward it. Last evaluated 2024-03-29.

Conditions:
Nephronophthisis. Also called: Juvenile Nephronophthisis. Identifiers: Orphanet 655, MedGen C0687120, MONDO:0019005, HP:0000090.
Jeune thoracic dystrophy. Also called: Short-rib thoracic dysplasia; Jeune syndrome; Infantile thoracic dystrophy; Thoracic pelvic phalangeal dystrophy; Jeune's syndrome; Chondroectodermal dysplasia-like syndrome. Identifiers: Orphanet 474, MedGen C0265275, MONDO:0018770.
TTC21B-related disorder. Also called: TTC21B-related condition; TTC21B-related disorders.
Asphyxiating thoracic dystrophy 4 (SRTD4). Also called: SHORT-RIB THORACIC DYSPLASIA 4 WITH OR WITHOUT POLYDACTYLY; SHORT-RIB THORACIC DYSPLASIA 4. Identifiers: Orphanet 474, MedGen C3151185, MONDO:0013441, OMIM 613819.
Nephronophthisis 12 (NPHP12). Identifiers: Orphanet 655, MedGen C3151186, MONDO:0013442, OMIM 613820.
Inborn genetic diseases. Identifiers: MedGen C0950123, MeSH D030342.

Allele frequency attached by ClinVar (database versions not stated): ExAC 0.00002; gnomAD exomes 0.00001; 1000 Genomes Project 30x 0.00016; gnomAD 0.00001 and 0.00003; TOPMed 0.00002; 1000 Genomes Project 0.00020.
gnomAD v4.1: 68 of 1,613,978 alleles (0.0042%); highest among the groups gnomAD compares: Non-Finnish European, 0.0051%; no homozygotes.

Submissions (4):

Ambry Genetics
Classification: Uncertain significance for Inborn genetic diseases. Last evaluated: 2024-03-29. Review status: criteria provided, single submitter. Criteria: Ambry Variant Classification Scheme 2023. Collection method: clinical testing. Allele origin: germline.

Fulgent Genetics
Classification: Uncertain significance for Asphyxiating thoracic dystrophy 4; Nephronophthisis 12. Last evaluated: 2022-05-16. Review status: criteria provided, single submitter. Criteria: ACMG Guidelines, 2015. Collection method: clinical testing. Allele origin: unknown.

Labcorp Genetics (formerly Invitae), Labcorp
Classification: Uncertain significance for Jeune thoracic dystrophy; Nephronophthisis. Last evaluated: 2020-10-20. Review status: criteria provided, single submitter. Criteria: Invitae Variant Classification Sherloc (09022015). Collection method: clinical testing. Allele origin: germline.
Comment: This sequence change replaces cysteine with phenylalanine at codon 937 of the TTC21B protein (p.Cys937Phe). The cysteine residue is moderately conserved and there is a large physicochemical difference between cysteine and phenylalanine. This variant is present in population databases (rs184561530, ExAC 0.01%). This variant has not been reported in the literature in individuals with TTC21B-related conditions. Algorithms developed to predict the effect of missense changes on protein structure and function are either unavailable or do not agree on the potential impact of this missense change (SIFT: "Deleterious"; PolyPhen-2: "Possibly Damaging"; Align-GVGD: "Class C0"). In summary, the available evidence is currently insufficient to determine the role of this variant in disease. Therefore, it has been classified as a Variant of Uncertain Significance.

PreventionGenetics, part of Exact Sciences
Classification: Uncertain significance for TTC21B-related condition. Last evaluated: 2024-08-17. Review status: no assertion criteria provided. Collection method: clinical testing. Allele origin: germline. Not counted in ClinVar's aggregate classification.
Comment: The TTC21B c.2810G>T variant is predicted to result in the amino acid substitution p.Cys937Phe. To our knowledge, this variant has not been reported in the literature. This variant is reported in 0.0062% of alleles in individuals of African descent in gnomAD. At this time, the clinical significance of this variant is uncertain due to the absence of conclusive functional and genetic evidence.

NM_024753.5(TTC21B):c.2810G>T (p.Cys937Phe)

Gene: TTC21B (tetratricopeptide repeat domain 21B; minus strand). Cytogenetic location: 2q24.3.
Variant type: single nucleotide variant.
Coding change: c.2810G>T on transcript NM_024753.5 (MANE Select); coding-DNA position 2810, G replaced by T.
Protein change: p.Cys937Phe; replaces cysteine 937 with phenylalanine.
Molecular consequence: missense variant.
Genome position (GRCh38, 1-based): chr2:165,899,828, C>A on the plus strand (G>T on the coding strand, the complement: TTC21B is on the minus strand). VCF-style: chr2-165899828-C-A. GRCh37 (hg19) VCF-style: chr2-166756338-C-A.
Other names: c.2810G>T (NM_024753.4, NM_024753.3); short protein forms C937F.
Identifiers: ClinVar variation 1000891 (VCV001000891.11), dbSNP rs184561530, ClinGen allele CA1941694.